The following is an entry in ClinVar:

NM_000435.3(NOTCH3):c.6379T>A (p.Tyr2127Asn)

Gene: NOTCH3 (notch receptor 3; minus strand). Cytogenetic location: 19p13.12.
Variant type: single nucleotide variant.
Coding change: c.6379T>A on transcript NM_000435.3 (MANE Select); coding-DNA position 6379, T replaced by A.
Protein change: p.Tyr2127Asn; replaces tyrosine 2127 with asparagine.
Molecular consequence: missense variant.
Genome position (GRCh38, 1-based): chr19:15,161,249, A>T on the plus strand (T>A on the coding strand, the complement: NOTCH3 is on the minus strand). VCF-style: chr19-15161249-A-T. GRCh37 (hg19) VCF-style: chr19-15272060-A-T.
Other names: short protein forms Y2127N.
Identifiers: ClinVar variation 2875729 (VCV002875729.17), dbSNP rs2046639391, ClinGen allele CA404488531.

ClinVar aggregate classification (germline): Uncertain significance. Review status: criteria provided, multiple submitters, no conflicts (2 of 4 stars). 2 submissions from 2 submitters: Uncertain significance (2). Last evaluated 2024-11-01.

Allele frequency attached by ClinVar (database versions not stated): TOPMed below 0.00001; gnomAD exomes 0.00001.
gnomAD v4.1: 4 of 1,547,312 alleles (0.00026%); highest among the groups gnomAD compares: Non-Finnish European, 0.00035%; no homozygotes.

Submissions (2):

CeGaT Center for Human Genetics Tuebingen
Classification: Uncertain significance. Last evaluated: 2024-11-01. Review status: criteria provided, single submitter. Criteria: CeGaT Center For Human Genetics Tuebingen Variant Classification Criteria Version 2. Collection method: clinical testing. Allele origin: germline. Affected: yes. Observed: 1 variant allele.
Comment: NOTCH3: PM2

Labcorp Genetics (formerly Invitae), Labcorp
Classification: Uncertain significance. Last evaluated: 2024-03-17. Review status: criteria provided, single submitter. Criteria: Invitae Variant Classification Sherloc (09022015). Collection method: clinical testing. Allele origin: germline.
Comment: This sequence change replaces tyrosine, which is neutral and polar, with asparagine, which is neutral and polar, at codon 2127 of the NOTCH3 protein (p.Tyr2127Asn). This variant is not present in population databases (gnomAD no frequency). This variant has not been reported in the literature in individuals affected with NOTCH3-related conditions. Advanced modeling of protein sequence and biophysical properties (such as structural, functional, and spatial information, amino acid conservation, physicochemical variation, residue mobility, and thermodynamic stability) performed at Invitae indicates that this missense variant is not expected to disrupt NOTCH3 protein function with a negative predictive value of 95%. In summary, the available evidence is currently insufficient to determine the role of this variant in disease. Therefore, it has been classified as a Variant of Uncertain Significance.